The following is an entry in ClinVar:

ClinVar aggregate classification (germline): Pathogenic. Review status: reviewed by expert panel (3 of 4 stars). 3 submissions from 3 submitters: Pathogenic (1). 2 of the submissions do not count toward it. Last evaluated 2017-12-15.

Conditions:
Hereditary cancer-predisposing syndrome. Also called: Hereditary Cancer Syndrome; Neoplastic Syndromes, Hereditary; Tumor predisposition; Hereditary neoplastic syndrome. Identifiers: Orphanet 140162, MedGen C0027672, MeSH D009386, MONDO:0015356.
Breast-ovarian cancer, familial, susceptibility to, 2 (BROVCA2). Also called: BRCA2 Hereditary Breast and Ovarian Cancer. Identifiers: Orphanet 145, MedGen C2675520, MONDO:0012933, OMIM 612555. Disease mechanism: loss of function.
Hereditary breast ovarian cancer syndrome. Also called: Hereditary breast and/or ovarian cancer syndrome; BRCA1- and BRCA2-Associated Hereditary Breast and Ovarian Cancer; Hereditary breast and ovarian cancer syndrome (HBOC); Hereditary breast and ovarian cancer; Hereditary breast and ovarian cancer syndrome; Breast and ovarian cancer. Identifiers: Orphanet 145, MedGen C0677776, MeSH D061325, MONDO:0003582. Disease mechanism: loss of function.

Submissions (3):

Evidence-based Network for the Interpretation of Germline Mutant Alleles (ENIGMA)
Classification: Pathogenic for Breast-ovarian cancer, familial, susceptibility to, 2. Last evaluated: 2017-12-15. Review status: reviewed by expert panel. Criteria: ENIGMA BRCA1/2 Classification Criteria (2017-06-29). Collection method: curation. Allele origin: germline. Study: ENIGMA.
Comment: Variant allele predicted to encode a truncated non-functional protein.

Labcorp Genetics (formerly Invitae), Labcorp
Classification: Pathogenic for Hereditary breast ovarian cancer syndrome. Last evaluated: 2022-01-20. Review status: criteria provided, single submitter. Criteria: Invitae Variant Classification Sherloc (09022015). Collection method: clinical testing. Allele origin: germline. Not counted in ClinVar's aggregate classification.
Comment: This variant has not been reported in the literature in individuals affected with BRCA2-related conditions. This variant is not present in population databases (gnomAD no frequency). This sequence change creates a premature translational stop signal (p.Leu834Cysfs*7) in the BRCA2 gene. It is expected to result in an absent or disrupted protein product. Loss-of-function variants in BRCA2 are known to be pathogenic (PMID: 20104584). ClinVar contains an entry for this variant (Variation ID: 232597). For these reasons, this variant has been classified as Pathogenic.

Ambry Genetics
Classification: Pathogenic for Hereditary cancer-predisposing syndrome. Last evaluated: 2015-06-26. Review status: criteria provided, single submitter. Criteria: Ambry Variant Classification Scheme 2023. Collection method: clinical testing. Allele origin: germline. Not counted in ClinVar's aggregate classification.
Comment: The c.2501delT pathogenic mutation, located in coding exon 10 of the BRCA2 gene, results from a deletion of one nucleotide at nucleotide position 2501, causing a translational frameshift with a predicted alternate stop codon. Since frameshifts are typically deleterious in nature, this alteration is interpreted as a disease-causing mutation (ACMG Recommendations for Standards for Interpretation and Reporting of Sequence Variations. Revision 2007. Genet Med. 2008;10:294).

Literature cited by the submitters: PubMed 20104584 (cited by Labcorp Genetics (formerly Invitae), Labcorp).

NM_000059.4(BRCA2):c.2501del (p.Leu834fs)

Gene: BRCA2 (BRCA2 DNA repair associated; plus strand). Cytogenetic location: 13q13.1.
Variant type: Deletion.
Coding change: c.2501del on transcript NM_000059.4 (MANE Select); coding-DNA position 2501, one base deleted (T; older notation c.2501delT).
Protein change: p.Leu834fs; shifts the reading frame from leucine 834.
Molecular consequence: frameshift variant.
Genome position (GRCh38, 1-based): chr13:32,336,856, T deleted; the last of 2 consecutive T bases (chr13:32,336,855-32,336,856); deleting either gives the same sequence. VCF-style (leftmost placement, unchanged base first): chr13-32336854-GT-G. GRCh37 (hg19) VCF-style: chr13-32910991-GT-G.
Other names: c.2501delT (NM_000059.3); short protein forms L834fs.
Identifiers: ClinVar variation 232597 (VCV000232597.10), dbSNP rs876659862, ClinGen allele CA10579537.